The following is an entry in ClinVar:

NM_005271.5(GLUD1):c.240C>G (p.Ile80Met)

Genes: SHLD2 (shieldin complex subunit 2; plus strand), GLUD1 (glutamate dehydrogenase 1; minus strand). Cytogenetic location: 10q23.2.
Variant type: single nucleotide variant.
Coding change: c.240C>G on transcript NM_005271.5 (MANE Select); coding-DNA position 240, C replaced by G.
Protein change: p.Ile80Met; replaces isoleucine 80 with methionine.
Molecular consequence: missense variant. On other transcripts: 5 prime UTR variant (3).
Genome position (GRCh38, 1-based): chr10:87,094,530, G>C on the plus strand (C>G on the coding strand, the complement: GLUD1 is on the minus strand). VCF-style: chr10-87094530-G-C. GRCh37 (hg19) VCF-style: chr10-88854287-G-C.
Other names: c.-489C>G (NM_001318904.2); c.-615C>G (NM_001318905.2); c.-322C>G (NM_001318906.2); short protein forms I80M.
Identifiers: ClinVar variation 1342359 (VCV001342359.1), dbSNP rs2133874774, ClinGen allele CA377456030.

ClinVar aggregate classification (germline): Uncertain significance (1 of 4 stars; one submission).

Conditions:
Hyperinsulinism-hyperammonemia syndrome (HHF6). Identifiers: Orphanet 35878, MedGen C1847555, MONDO:0011717, OMIM 606762.

Submission:

New York Genome Center
Classification: Uncertain significance for Hyperinsulinism-hyperammonemia syndrome. Last evaluated: 2021-04-09. Review status: criteria provided, single submitter. Criteria: NYGC Assertion Criteria 2020. Collection method: clinical testing. Allele origin: de novo. Observed: 1 heterozygote. Study: CSER-NYCKidSeq.
Comment: The de novo c.240C>G (p.Ile80Met) variant identified in the GLUD1 gene substitutes a conserved Isoleucine for Methionine at amino acid 80/559 (exon 1/13). The c.240C>G (p.Ile80Met) variant is absent from gnomAD(v3.1) suggesting it is not a common benign variant in the populations represented in that database. In silico algorithms predict this variant to be Damaging (SIFT; score: 0.022) and Benign (REVEL; score:0.5059) to the function of the canonical transcript. This variant is absent from ClinVar and to our current knowledge has not been reported in affected individuals in the literature. The p.Ile80 residue is not within a mapped domain of GLUD1 (UniProtKB:P00367), and most pathogenic variants in GLUD1 are found in the GTP allosteric binding domain (exon 11/12) or catalytic domain (exon 6/7) [For Review; [PMID:19254908]). While it is identified de novo in an affected individual, its presence outside of domains in which pathogenic variants have been reported result in the classification of the c.240C>G (p.Ile80Met) variant identified in the GLUD1 gene as a Variant of Uncertain Significance.